The following is an entry in ClinVar:

NM_001330260.2(SCN8A):c.5158G>A (p.Asp1720Asn)

Gene: SCN8A (sodium voltage-gated channel alpha subunit 8; plus strand). Cytogenetic location: 12q13.13.
Variant type: single nucleotide variant.
Coding change: c.5158G>A on transcript NM_001330260.2 (MANE Select); coding-DNA position 5158, G replaced by A.
Protein change: p.Asp1720Asn; replaces aspartic acid 1720 with asparagine.
Molecular consequence: missense variant.
Genome position (GRCh38, 1-based): chr12:51,806,644, G>A. VCF-style: chr12-51806644-G-A. GRCh37 (hg19) VCF-style: chr12-52200428-G-A.
Other names: c.5035G>A, p.Asp1679Asn (NM_001177984.3, NM_001369788.1); c.5158G>A, p.Asp1720Asn (NM_014191.4); c.5158G>A (NM_001330260.1); short protein forms D1679N, D1720N.
Identifiers: ClinVar variation 3906694 (VCV003906694.2).

ClinVar aggregate classification (germline): Uncertain significance (1 of 4 stars; one submission).

Submission:

GeneDx
Classification: Uncertain significance. Last evaluated: 2026-08-20. Review status: criteria provided, single submitter. Criteria: GeneDx Variant Classification Process June 2021. Collection method: clinical testing. Allele origin: germline.
Comment: Not observed at significant frequency in large population cohorts (gnomAD); In silico analysis supports that this missense variant has a deleterious effect on protein structure/function; This substitution is predicted to be within Extracellular loop between the S5 and S6 transmembrane segments of the fourth homologous domain; Has not been previously published as pathogenic or benign to our knowledge